The following is an entry in ClinVar:

ClinVar aggregate classification (germline): Uncertain significance. Review status: criteria provided, multiple submitters, no conflicts (2 of 4 stars). 4 submissions from 4 submitters: Uncertain significance (4). Last evaluated 2025-02-01.

Allele frequency attached by ClinVar (database versions not stated): TOPMed 0.00001.
gnomAD v4.1: 1 of 1,611,638 alleles (0.000062%); highest among the groups gnomAD compares: Middle Eastern, 0.017%; no homozygotes.

Submissions (4):

Ambry Genetics
Classification: Uncertain significance. Last evaluated: 2025-02-01. Review status: criteria provided, single submitter. Criteria: Ambry Variant Classification Scheme 2023. Collection method: clinical testing. Allele origin: germline.
Comment: The p.L48R variant (also known as c.143T>G), located in coding exon 2 of the SRP72 gene, results from a T to G substitution at nucleotide position 143. The leucine at codon 48 is replaced by arginine, an amino acid with dissimilar properties. This amino acid position is conserved. In addition, this alteration is predicted to be deleterious by in silico analysis. Based on the available evidence, the clinical significance of this variant remains unclear.

GeneDx
Classification: Uncertain significance. Last evaluated: 2024-02-04. Review status: criteria provided, single submitter. Criteria: GeneDx Variant Classification Process June 2021. Collection method: clinical testing. Allele origin: germline. Affected: yes.
Comment: Not observed at significant frequency in large population cohorts (gnomAD); In silico analysis supports that this missense variant has a deleterious effect on protein structure/function; Has not been previously published as pathogenic or benign to our knowledge; This variant is associated with the following publications: (PMID: 28369529, 27899666)

Labcorp Genetics (formerly Invitae), Labcorp
Classification: Uncertain significance. Last evaluated: 2023-05-20. Review status: criteria provided, single submitter. Criteria: Invitae Variant Classification Sherloc (09022015). Collection method: clinical testing. Allele origin: germline.
Comment: Advanced modeling of protein sequence and biophysical properties (such as structural, functional, and spatial information, amino acid conservation, physicochemical variation, residue mobility, and thermodynamic stability) performed at Invitae indicates that this missense variant is not expected to disrupt SRP72 protein function. In summary, the available evidence is currently insufficient to determine the role of this variant in disease. Therefore, it has been classified as a Variant of Uncertain Significance. This variant has not been reported in the literature in individuals affected with SRP72-related conditions. This variant is not present in population databases (gnomAD no frequency). This sequence change replaces leucine, which is neutral and non-polar, with arginine, which is basic and polar, at codon 48 of the SRP72 protein (p.Leu48Arg).

Blueprint Genetics
Classification: Uncertain significance. Last evaluated: 2021-10-21. Review status: criteria provided, single submitter. Criteria: ACMG Guidelines, 2015. Collection method: clinical testing. Allele origin: germline.

NM_006947.4(SRP72):c.143T>G (p.Leu48Arg)

Gene: SRP72 (signal recognition particle 72; plus strand). Cytogenetic location: 4q12.
Variant type: single nucleotide variant.
Coding change: c.143T>G on transcript NM_006947.4 (MANE Select); coding-DNA position 143, T replaced by G.
Protein change: p.Leu48Arg; replaces leucine 48 with arginine.
Molecular consequence: missense variant. On other transcripts: non-coding transcript variant (1).
Genome position (GRCh38, 1-based): chr4:56,469,686, T>G. VCF-style: chr4-56469686-T-G. GRCh37 (hg19) VCF-style: chr4-57335852-T-G.
Other names: c.143T>G, p.Leu48Arg (NM_001267722.2); c.143T>G (NM_006947.3); short protein forms L48R.
Identifiers: ClinVar variation 2715733 (VCV002715733.6), dbSNP rs1719886573, ClinGen allele CA356995800.